The following is an entry in ClinVar:

ClinVar aggregate classification (germline): Pathogenic/Likely pathogenic. Review status: criteria provided, multiple submitters, no conflicts (2 of 4 stars). 2 submissions from 2 submitters: Pathogenic (1); Likely pathogenic (1). Last evaluated 2023-03-02.

Conditions:
Bardet-Biedl syndrome (BBS). Identifiers: Orphanet 110, MedGen C0752166, MONDO:0015229.
Retinitis pigmentosa 51 (RP51). Identifiers: Orphanet 791, MedGen C3150715, MONDO:0013274, OMIM 613464.

Submissions (2):

Baylor Genetics
Classification: Likely pathogenic for Retinitis pigmentosa 51. Last evaluated: 2023-03-02. Review status: criteria provided, single submitter. Criteria: ACMG Guidelines, 2015. Collection method: clinical testing. Allele origin: unknown.

Labcorp Genetics (formerly Invitae), Labcorp
Classification: Pathogenic for Bardet-Biedl syndrome. Last evaluated: 2022-04-28. Review status: criteria provided, single submitter. Criteria: Invitae Variant Classification Sherloc (09022015). Collection method: clinical testing. Allele origin: germline.
Comment: For these reasons, this variant has been classified as Pathogenic. This variant has not been reported in the literature in individuals affected with TTC8-related conditions. This variant is not present in population databases (gnomAD no frequency). This sequence change creates a premature translational stop signal (p.Glu303Asnfs*7) in the TTC8 gene. It is expected to result in an absent or disrupted protein product. Loss-of-function variants in TTC8 are known to be pathogenic (PMID: 16308660, 16877420, 19797195, 21052717, 30886724).

Literature cited by the submitters: PubMed 16308660 (cited by Labcorp Genetics (formerly Invitae), Labcorp); PubMed 16877420 (cited by Labcorp Genetics (formerly Invitae), Labcorp); PubMed 19797195 (cited by Labcorp Genetics (formerly Invitae), Labcorp); PubMed 21052717 (cited by Labcorp Genetics (formerly Invitae), Labcorp); PubMed 30886724 (cited by Labcorp Genetics (formerly Invitae), Labcorp).

NM_144596.4(TTC8):c.936del (p.Glu313fs)

Gene: TTC8 (tetratricopeptide repeat domain 8; plus strand). Cytogenetic location: 14q31.3.
Variant type: Deletion.
Coding change: c.936del on transcript NM_144596.4 (MANE Select); coding-DNA position 936, one base deleted (A; older notation c.936delA).
Protein change: p.Glu313fs; shifts the reading frame from glutamic acid 313.
Molecular consequence: frameshift variant. On other transcripts: non-coding transcript variant (1).
Genome position (GRCh38, 1-based): chr14:88,870,085, A deleted. VCF-style (leftmost placement, unchanged base first): chr14-88870084-CA-C. GRCh37 (hg19) VCF-style: chr14-89336428-CA-C.
Other names: c.936del (NM_144596.3); c.816del, p.Glu273fs (NM_198310.3, NM_001366536.2); c.984del, p.Glu329fs (NM_001288781.1); c.342del, p.Glu115fs (NM_001288782.1); c.219del, p.Glu74fs (NM_001288783.1); c.906del, p.Glu303fs (NM_001366535.2, NM_198309.3); short protein forms E303fs, E313fs, E329fs, E273fs, E115fs, E74fs.
Identifiers: ClinVar variation 2126790 (VCV002126790.5), dbSNP rs2546230995, ClinGen allele CA2580088893.